The following is an entry in ClinVar:

NM_001384474.1(LOXHD1):c.1961C>T (p.Pro654Leu)

Gene: LOXHD1 (lipoxygenase homology PLAT domains 1; minus strand). Cytogenetic location: 18q21.1.
Variant type: single nucleotide variant.
Coding change: c.1961C>T on transcript NM_001384474.1 (MANE Select); coding-DNA position 1961, C replaced by T.
Protein change: p.Pro654Leu; replaces proline 654 with leucine.
Molecular consequence: missense variant.
Genome position (GRCh38, 1-based): chr18:46,577,716, G>A on the plus strand (C>T on the coding strand, the complement: LOXHD1 is on the minus strand). VCF-style: chr18-46577716-G-A. GRCh37 (hg19) VCF-style: chr18-44157679-G-A.
Other names: c.1961C>T, p.Pro654Leu (NM_144612.7); short protein forms P654L.
Identifiers: ClinVar variation 500592 (VCV000500592.31), dbSNP rs369297699, ClinGen allele CA8952733.

ClinVar aggregate classification (germline): Conflicting classifications of pathogenicity. Review status: criteria provided, conflicting classifications (1 of 4 stars). 7 submissions from 7 submitters: Uncertain significance (3); Likely benign (2). 2 of the submissions do not count toward it. Last evaluated 2026-01-28.

Conditions:
LOXHD1-related disorder. Also called: LOXHD1-related condition.
Autosomal recessive nonsyndromic hearing loss 77. Identifiers: Orphanet 90636, MedGen C2746083, MONDO:0013119, OMIM 613079.

Allele frequency attached by ClinVar (database versions not stated): gnomAD exomes 0.00014 and 0.00029; ESP Exome Variant Server 0.00022; ExAC 0.00041; 1000 Genomes Project 0.00060; 1000 Genomes Project 30x 0.00078; gnomAD 0.00126 and 0.00133; TOPMed 0.00136.
gnomAD v4.1: 403 of 1,551,040 alleles (0.026%); highest among the groups gnomAD compares: African/African-American, 0.4%; 2 homozygotes.

Submissions (7):

Labcorp Genetics (formerly Invitae), Labcorp
Classification: Likely benign. Last evaluated: 2026-01-28. Review status: criteria provided, single submitter. Criteria: Invitae Variant Classification Sherloc (09022015). Collection method: clinical testing. Allele origin: germline.

CeGaT Center for Human Genetics Tuebingen
Classification: Likely benign. Last evaluated: 2025-09-01. Review status: criteria provided, single submitter. Criteria: CeGaT Center For Human Genetics Tuebingen Variant Classification Criteria Version 2. Collection method: clinical testing. Allele origin: germline. Affected: yes. Observed: 1 variant allele.
Comment: LOXHD1: BS2

Blueprint Genetics
Classification: Uncertain significance. Last evaluated: 2024-03-11. Review status: criteria provided, single submitter. Criteria: ACMG Guidelines, 2015. Collection method: clinical testing. Allele origin: germline.

Illumina Laboratory Services, Illumina
Classification: Uncertain significance for Autosomal recessive nonsyndromic hearing loss 77. Last evaluated: 2018-01-12. Review status: criteria provided, single submitter. Criteria: ICSL Variant Classification Criteria 13 December 2019. Collection method: clinical testing. Allele origin: germline.

Eurofins Ntd Llc (ga)
Classification: Uncertain significance. Last evaluated: 2017-02-24. Review status: criteria provided, single submitter. Criteria: EGL Classification Definitions 2015. Collection method: clinical testing. Allele origin: germline. Observed: 1 variant allele, 1 heterozygote.

PreventionGenetics, part of Exact Sciences
Classification: Likely benign for LOXHD1-related condition. Last evaluated: 2024-07-10. Review status: no assertion criteria provided. Collection method: clinical testing. Allele origin: germline. Not counted in ClinVar's aggregate classification.
Comment: This variant is classified as likely benign based on ACMG/AMP sequence variant interpretation guidelines (Richards et al. 2015 PMID: 25741868, with internal and published modifications).

Natera, Inc.
Classification: Uncertain significance for Autosomal recessive deafness type 77. Last evaluated: 2019-10-28. Review status: no assertion criteria provided. Collection method: clinical testing. Allele origin: germline. Not counted in ClinVar's aggregate classification.